The following is an entry in ClinVar:

ClinVar aggregate classification (germline): Uncertain significance. Review status: criteria provided, multiple submitters, no conflicts (2 of 4 stars). 4 submissions from 4 submitters: Uncertain significance (4). Last evaluated 2026-02-11.

Conditions:
Inborn genetic diseases. Identifiers: MedGen C0950123, MeSH D030342.
Monosomy 7 myelodysplasia and leukemia syndrome 2. Identifiers: MedGen C5436668, MONDO:0030801, OMIM 619041.

Allele frequency attached by ClinVar (database versions not stated): ExAC 0.00003; gnomAD 0.00003 and 0.00004; gnomAD exomes 0.00003 and 0.00006; TOPMed 0.00003.

Submissions (4):

St. Jude Molecular Pathology, St. Jude Children's Research Hospital
Classification: Uncertain significance for Monosomy 7 myelodysplasia and leukemia syndrome 2. Last evaluated: 2026-02-11. Review status: criteria provided, single submitter. Criteria: St. Jude Assertion Criteria 2020. Collection method: clinical testing. Allele origin: germline.
Comment: The SAMD9 c.4630G>A p.(Gly1544Arg) missense change has a maximum subpopulation frequency of 0.006% in gnomAD v2.1.1. The in silico tool REVEL predicts a benign effect on protein function, however in silico predictions have not been found to correlate with syndromic risk and are thus not considered supporting evidence of a pathogenic or benign effect (PMID: 34621053). To our knowledge, this variant has not been reported in individuals with SAMD9-associated conditions. In summary, the evidence currently available is insufficient to determine the clinical significance of this variant. It has therefore been classified as of uncertain significance.

Labcorp Genetics (formerly Invitae), Labcorp
Classification: Uncertain significance. Last evaluated: 2025-11-13. Review status: criteria provided, single submitter. Criteria: Invitae Variant Classification Sherloc (09022015). Collection method: clinical testing. Allele origin: germline.
Comment: This sequence change replaces glycine, which is neutral and non-polar, with arginine, which is basic and polar, at codon 1544 of the SAMD9 protein (p.Gly1544Arg). This variant is present in population databases (rs772735644, gnomAD 0.007%). This variant has not been reported in the literature in individuals affected with SAMD9-related conditions. ClinVar contains an entry for this variant (Variation ID: 1517435). Invitae Evidence Modeling of protein sequence and biophysical properties (such as structural, functional, and spatial information, amino acid conservation, physicochemical variation, residue mobility, and thermodynamic stability) has been performed for this missense variant. However, the output from this modeling did not meet the statistical confidence thresholds required to predict the impact of this variant on SAMD9 protein function. In summary, the available evidence is currently insufficient to determine the role of this variant in disease. Therefore, it has been classified as a Variant of Uncertain Significance.

Ambry Genetics
Classification: Uncertain significance for Inborn genetic diseases. Last evaluated: 2025-06-08. Review status: criteria provided, single submitter. Criteria: Ambry Variant Classification Scheme 2023. Collection method: clinical testing. Allele origin: germline.

GeneDx
Classification: Uncertain significance. Last evaluated: 2024-10-03. Review status: criteria provided, single submitter. Criteria: GeneDx Variant Classification Process June 2021. Collection method: clinical testing. Allele origin: germline.
Comment: In silico analysis supports that this missense variant has a deleterious effect on protein structure/function; Has not been previously published as pathogenic or benign to our knowledge; This variant is associated with the following publications: (PMID: 28545555)

NM_017654.4(SAMD9):c.4630G>A (p.Gly1544Arg)

Gene: SAMD9 (sterile alpha motif domain containing 9; minus strand). Cytogenetic location: 7q21.2.
Variant type: single nucleotide variant.
Coding change: c.4630G>A on transcript NM_017654.4 (MANE Select); coding-DNA position 4630, G replaced by A.
Protein change: p.Gly1544Arg; replaces glycine 1544 with arginine.
Molecular consequence: missense variant.
Genome position (GRCh38, 1-based): chr7:93,101,468, C>T on the plus strand (G>A on the coding strand, the complement: SAMD9 is on the minus strand). VCF-style: chr7-93101468-C-T. GRCh37 (hg19) VCF-style: chr7-92730781-C-T.
Other names: c.4630G>A, p.Gly1544Arg (NM_001193307.2); c.4630G>A (NM_017654.3); short protein forms G1544R.
Identifiers: ClinVar variation 1517435 (VCV001517435.10), dbSNP rs772735644, ClinGen allele CA4342520.